The following is an entry in ClinVar:

NM_003238.6(TGFB2):c.514C>A (p.Leu172Ile)

Gene: TGFB2 (transforming growth factor beta 2; plus strand). Cytogenetic location: 1q41.
Variant type: single nucleotide variant.
Coding change: c.514C>A on transcript NM_003238.6 (MANE Select); coding-DNA position 514, C replaced by A.
Protein change: p.Leu172Ile; replaces leucine 172 with isoleucine.
Molecular consequence: missense variant. On other transcripts: non-coding transcript variant (2).
Genome position (GRCh38, 1-based): chr1:218,434,085, C>A. VCF-style: chr1-218434085-C-A. GRCh37 (hg19) VCF-style: chr1-218607427-C-A.
Other names: c.598C>A, p.Leu200Ile (NM_001135599.4); short protein forms L172I, L200I.
Identifiers: ClinVar variation 1745654 (VCV001745654.2), dbSNP rs1291056000, ClinGen allele CA344726424.

ClinVar aggregate classification (germline): Uncertain significance (1 of 4 stars; one submission).

Conditions:
Familial thoracic aortic aneurysm and aortic dissection (TAAD). Also called: Thoracic aortic aneurysms and dissections. Identifiers: Orphanet 91387, MedGen C4707243, MONDO:0019625.

Submission:

Ambry Genetics
Classification: Uncertain significance for Familial thoracic aortic aneurysm and aortic dissection. Last evaluated: 2022-05-24. Review status: criteria provided, single submitter. Criteria: Ambry Variant Classification Scheme 2023. Collection method: clinical testing. Allele origin: germline.
Comment: The p.L172I variant (also known as c.514C>A), located in coding exon 3 of the TGFB2 gene, results from a C to A substitution at nucleotide position 514. The leucine at codon 172 is replaced by isoleucine, an amino acid with highly similar properties. This amino acid position is conserved. In addition, this alteration is predicted to be tolerated by in silico analysis. Since supporting evidence is limited at this time, the clinical significance of this alteration remains unclear.